The following is an entry in ClinVar:

NM_000064.4(C3):c.4457-4_4457-3delinsAG

Gene: C3 (complement C3; minus strand). Cytogenetic location: 19p13.3.
Variant type: Indel.
Coding change: c.4457-4_4457-3delinsAG on transcript NM_000064.4 (MANE Select); 4 bases into the intron before coding-DNA position 4457 through 3 bases into the intron before coding-DNA position 4457, GC replaced by AG.
Molecular consequence: intron variant.
Genome position (GRCh38, 1-based): chr19:6,679,499-6,679,500, GC replaced by CT on the plus strand (GC replaced by AG on the coding strand, the reverse complement: C3 is on the minus strand). VCF-style: chr19-6679499-GC-CT. GRCh37 (hg19) VCF-style: chr19-6679510-GC-CT.
Identifiers: ClinVar variation 2823288 (VCV002823288.3), dbSNP rs2512226535, ClinGen allele CA2739271671.

ClinVar aggregate classification (germline): Uncertain significance (1 of 4 stars; one submission).

Submission:

Labcorp Genetics (formerly Invitae), Labcorp
Classification: Uncertain significance. Last evaluated: 2022-12-22. Review status: criteria provided, single submitter. Criteria: Invitae Variant Classification Sherloc (09022015). Collection method: clinical testing. Allele origin: germline.
Comment: In summary, the available evidence is currently insufficient to determine the role of this variant in disease. Therefore, it has been classified as a Variant of Uncertain Significance. Variants that disrupt the consensus splice site are a relatively common cause of aberrant splicing (PMID: 17576681, 9536098). Experimental studies and prediction algorithms are not available or were not evaluated, and the effect of this variant on mRNA splicing is currently unknown. This variant has not been reported in the literature in individuals affected with C3-related conditions. Information on the frequency of this variant in the gnomAD database is not available, as this variant may be reported differently in the database. This sequence change falls in intron 36 of the C3 gene. It does not directly change the encoded amino acid sequence of the C3 protein. It affects a nucleotide within the consensus splice site.

Literature cited by the submitters: PubMed 17576681; PubMed 9536098.